The following is an entry in ClinVar:

ClinVar aggregate classification (germline): Pathogenic. Review status: criteria provided, multiple submitters, no conflicts (2 of 4 stars). 2 submissions from 2 submitters: Pathogenic (2). Last evaluated 2025-12-15.

Conditions:
Osteogenesis imperfecta type 8 (OI8). Identifiers: MedGen C1970458, MONDO:0012581, OMIM 610915.
Osteogenesis imperfecta (OI). Identifiers: Orphanet 666, MedGen C0029434, MeSH D010013, MONDO:0019019.

Submissions (2):

Women's Health and Genetics/Laboratory Corporation of America, LabCorp
Classification: Pathogenic for Osteogenesis imperfecta. Last evaluated: 2025-12-15. Review status: criteria provided, single submitter. Criteria: LabCorp Variant Classification Summary - May 2015. Collection method: clinical testing. Allele origin: germline.
Comment: Variant summary: P3H1 c.1918dupG (p.Glu640GlyfsX17) results in a premature termination codon, predicted to cause a truncation of the encoded protein or absence of the protein due to nonsense mediated decay, which are commonly known mechanisms for disease. The variant was absent in 245830 control chromosomes. To our knowledge, no occurrence of c.1918dupG in individuals affected with P3H1-related conditions and no experimental evidence demonstrating its impact on protein function have been reported. ClinVar contains an entry for this variant (Variation ID: 2765550). Based on the evidence outlined above, the variant was classified as pathogenic.

Labcorp Genetics (formerly Invitae), Labcorp
Classification: Pathogenic for Osteogenesis imperfecta type 8. Last evaluated: 2025-03-10. Review status: criteria provided, single submitter. Criteria: Invitae Variant Classification Sherloc (09022015). Collection method: clinical testing. Allele origin: germline.
Comment: This sequence change creates a premature translational stop signal (p.Glu640Glyfs*17) in the P3H1 gene. It is expected to result in an absent or disrupted protein product. Loss-of-function variants in P3H1 are known to be pathogenic (PMID: 17277775, 18566967, 19088120, 22281939). This variant is not present in population databases (gnomAD no frequency). This variant has not been reported in the literature in individuals affected with P3H1-related conditions. ClinVar contains an entry for this variant (Variation ID: 2765550). For these reasons, this variant has been classified as Pathogenic.

Literature cited by the submitters: PubMed 17277775 (cited by Labcorp Genetics (formerly Invitae), Labcorp); PubMed 18566967 (cited by Labcorp Genetics (formerly Invitae), Labcorp); PubMed 19088120 (cited by Labcorp Genetics (formerly Invitae), Labcorp); PubMed 22281939 (cited by Labcorp Genetics (formerly Invitae), Labcorp).

NM_022356.4(P3H1):c.1918dup (p.Glu640fs)

Gene: P3H1 (prolyl 3-hydroxylase 1; minus strand). Cytogenetic location: 1p34.2.
Variant type: Duplication.
Coding change: c.1918dup on transcript NM_022356.4 (MANE Select); coding-DNA position 1918, one base duplicated (G; older notation c.1918dupG).
Protein change: p.Glu640fs; shifts the reading frame from glutamic acid 640.
Molecular consequence: frameshift variant.
Genome position (GRCh38, 1-based): chr1:42,747,409, C duplicated on the plus strand (G on the coding strand, the reverse complement: P3H1 is on the minus strand). VCF-style (leftmost placement, unchanged base first): chr1-42747408-T-TC. GRCh37 (hg19) VCF-style: chr1-43213079-T-TC.
Other names: c.1918dup, p.Glu640fs (NM_001146289.2, NM_001243246.2); c.1918dupG (NM_022356.4); short protein forms E640fs.
Identifiers: ClinVar variation 2765550 (VCV002765550.4), dbSNP rs2524400773, ClinGen allele CA2574337699.
Genomic context (GRCh38, chr1:42,747,408, plus strand): 5'-CCATGTGGGTTTTCAGTGCCTGAAGAGAATCCCACGGCTCTTCCACACTGAGGCTGCACC[T>TC]CTGCCTAAGGGGGACAGAAAGGGAGGGGGGTTGCACAGGACAAAGACTGTAATCCACTCT-3'